The following is an entry in ClinVar:

ClinVar aggregate classification (germline): Benign/Likely benign. Review status: criteria provided, multiple submitters, no conflicts (2 of 4 stars). 2 submissions from 2 submitters: Benign (1); Likely benign (1). Last evaluated 2025-03-13.

Conditions:
Pheochromocytoma. Also called: MAX-Related Hereditary Paraganglioma-Pheochromocytoma Syndrome. Identifiers: Orphanet 29072, MedGen C0031511, MONDO:0008233, OMIM 171300, HP:0002666.
Gastrointestinal stromal tumor. Also called: Gastrointestinal stroma tumor; Gastrointestinal stromal tumor, somatic. Identifiers: Orphanet 44890, MedGen C0238198, MeSH D046152, MONDO:0011719, OMIM 606764, HP:0100723.
Pheochromocytoma/paraganglioma syndrome 4. Also called: SDHB-Related Hereditary Paraganglioma-Pheochromocytoma Syndrome (Paragangliomas 4); SDHB-Related Hereditary Paraganglioma-Pheochromocytoma Syndrome; CAROTID BODY TUMORS AND MULTIPLE EXTRAADRENAL PHEOCHROMOCYTOMAS; PARAGANGLIOMA, FAMILIAL MALIGNANT; PARAGANGLIOMAS, HEREDITARY EXTRAADRENAL; PHEOCHROMOCYTOMA, FAMILIAL EXTRAADRENAL. Identifiers: Orphanet 29072, MedGen C1861848, MONDO:0007273, OMIM 115310.

Allele frequency attached by ClinVar (database versions not stated): gnomAD 0.00001.

Submissions (2):

Myriad Genetics, Inc.
Classification: Benign for Pheochromocytoma/paraganglioma syndrome 4. Last evaluated: 2025-03-13. Review status: criteria provided, single submitter. Criteria: Myriad Autosomal Dominant, Autosomal Recessive and X-Linked Classification Criteria (2023). Collection method: clinical testing. Allele origin: unknown.
Comment: This variant is considered benign. This variant is a silent/synonymous amino acid change and it is not expected to impact splicing.

Labcorp Genetics (formerly Invitae), Labcorp
Classification: Likely benign for Gastrointestinal stromal tumor; Pheochromocytoma/paraganglioma syndrome 4; Pheochromocytoma. Last evaluated: 2019-10-30. Review status: criteria provided, single submitter. Criteria: Invitae Variant Classification Sherloc (09022015). Collection method: clinical testing. Allele origin: germline.

NM_003000.3(SDHB):c.663C>T (p.Asp221=)

Gene: SDHB (succinate dehydrogenase complex iron sulfur subunit B; minus strand). Cytogenetic location: 1p36.13.
Variant type: single nucleotide variant.
Coding change: c.663C>T on transcript NM_003000.3 (MANE Select); coding-DNA position 663, C replaced by T.
Protein change: p.Asp221=; no amino-acid change (aspartic acid 221 retained).
Molecular consequence: synonymous variant.
Genome position (GRCh38, 1-based): chr1:17,022,710, G>A on the plus strand (C>T on the coding strand, the complement: SDHB is on the minus strand). VCF-style: chr1-17022710-G-A. GRCh37 (hg19) VCF-style: chr1-17349205-G-A.
Identifiers: ClinVar variation 1097432 (VCV001097432.8), dbSNP rs1475864409, ClinGen allele CA416082151.